The following is an entry in ClinVar:

ClinVar aggregate classification (germline): Uncertain significance (1 of 4 stars; one submission).

Conditions:
Congenital myasthenic syndrome 8. Also called: MYASTHENIC SYNDROME, CONGENITAL, DUE TO AGRIN DEFICIENCY; Myasthenic syndrome, congenital, 8, with pre- and postsynaptic defects. Identifiers: Orphanet 590, MedGen C3808739, MONDO:0014052, OMIM 615120.

Submission:

Labcorp Genetics (formerly Invitae), Labcorp
Classification: Uncertain significance for Congenital myasthenic syndrome 8. Last evaluated: 2025-05-29. Review status: criteria provided, single submitter. Criteria: Invitae Variant Classification Sherloc (09022015). Collection method: clinical testing. Allele origin: germline.
Comment: This sequence change replaces leucine, which is neutral and non-polar, with isoleucine, which is neutral and non-polar, at codon 1532 of the AGRN protein (p.Leu1532Ile). This variant is not present in population databases (gnomAD no frequency). This variant has not been reported in the literature in individuals affected with AGRN-related conditions. An algorithm developed to predict the effect of missense changes on protein structure and function (PolyPhen-2) suggests that this variant is likely to be tolerated. In summary, the available evidence is currently insufficient to determine the role of this variant in disease. Therefore, it has been classified as a Variant of Uncertain Significance.

NM_198576.4(AGRN):c.4594C>A (p.Leu1532Ile)

Gene: AGRN (agrin; plus strand). Cytogenetic location: 1p36.33.
Variant type: single nucleotide variant.
Coding change: c.4594C>A on transcript NM_198576.4 (MANE Select); coding-DNA position 4594, C replaced by A.
Protein change: p.Leu1532Ile; replaces leucine 1532 with isoleucine.
Molecular consequence: missense variant.
Genome position (GRCh38, 1-based): chr1:1,049,645, C>A. VCF-style: chr1-1049645-C-A. GRCh37 (hg19) VCF-style: chr1-985025-C-A.
Other names: c.4594C>A, p.Leu1532Ile (NM_001305275.2); c.4279C>A, p.Leu1427Ile (NM_001364727.2); short protein forms L1427I, L1532I.
Identifiers: ClinVar variation 4776578 (VCV004776578.1).